The following is an entry in ClinVar:

ClinVar aggregate classification (germline): Uncertain significance (1 of 4 stars; one submission).

gnomAD v4.1: 2 of 1,613,944 alleles (0.00012%); highest among the groups gnomAD compares: Admixed American, 0.0017%; no homozygotes.

Submission:

Labcorp Genetics (formerly Invitae), Labcorp
Classification: Uncertain significance. Last evaluated: 2025-07-06. Review status: criteria provided, single submitter. Criteria: Invitae Variant Classification Sherloc (09022015). Collection method: clinical testing. Allele origin: germline.
Comment: This sequence change replaces glutamic acid, which is acidic and polar, with glycine, which is neutral and non-polar, at codon 2071 of the COL7A1 protein (p.Glu2071Gly). This variant is present in population databases (no rsID available, gnomAD 0.003%). This variant has not been reported in the literature in individuals affected with COL7A1-related conditions. Invitae Evidence Modeling of protein sequence and biophysical properties (such as structural, functional, and spatial information, amino acid conservation, physicochemical variation, residue mobility, and thermodynamic stability) indicates that this missense variant is not expected to disrupt COL7A1 protein function with a negative predictive value of 95%. In summary, the available evidence is currently insufficient to determine the role of this variant in disease. Therefore, it has been classified as a Variant of Uncertain Significance.

NM_000094.4(COL7A1):c.6212A>G (p.Glu2071Gly)

Gene: COL7A1 (collagen type VII alpha 1 chain; minus strand). Cytogenetic location: 3p21.31.
Variant type: single nucleotide variant.
Coding change: c.6212A>G on transcript NM_000094.4 (MANE Select); coding-DNA position 6212, A replaced by G.
Protein change: p.Glu2071Gly; replaces glutamic acid 2071 with glycine.
Molecular consequence: missense variant.
Genome position (GRCh38, 1-based): chr3:48,575,211, T>C on the plus strand (A>G on the coding strand, the complement: COL7A1 is on the minus strand). VCF-style: chr3-48575211-T-C. GRCh37 (hg19) VCF-style: chr3-48612644-T-C.
Other names: short protein forms E2071G.
Identifiers: ClinVar variation 4751542 (VCV004751542.1).
Genomic context (GRCh38, chr3:48,575,211, plus strand): 5'-GGCAGCCCCAGCACAGCCTCCAGACAGCCTGCCCCACGAAGCCCATCGCAGCCCACCTGT[T>C]CTCCACGTTCTCCTTTCTCTCCCCGTTCTCCCTGAAATGCAAATAGCGGGTGAGGGCCAA-3'
Protein context (NP_000085.1, residues 2061-2081): GERGEKGERG[Glu2071Gly]QGRDGPPGLP